The following is an entry in ClinVar:

ClinVar aggregate classification (germline): Pathogenic. Review status: criteria provided, multiple submitters, no conflicts (2 of 4 stars). 15 submissions from 14 submitters: Pathogenic (12). 3 of the submissions do not count toward it. Last evaluated 2024-11-27.

Conditions:
Inborn genetic diseases. Identifiers: MedGen C0950123, MeSH D030342.
DNM1L-related disorder. Also called: DNM1L-related condition.
Encephalopathy, lethal, due to defective mitochondrial peroxisomal fission 1. Also called: Lethal Encephalopathy Due To Defective Mitochondrial Peroxisomal Fission. Identifiers: Orphanet 330050, MedGen C3280660, MONDO:0013726, OMIM 614388.
Optic atrophy 5 (OPA5). Identifiers: Orphanet 98673, MedGen C1853139, MONDO:0012543, OMIM 610708.

Submissions (15):

Labcorp Genetics (formerly Invitae), Labcorp
Classification: Pathogenic. Last evaluated: 2024-11-27. Review status: criteria provided, single submitter. Criteria: Invitae Variant Classification Sherloc (09022015). Collection method: clinical testing. Allele origin: germline.
Comment: This sequence change replaces arginine, which is basic and polar, with cysteine, which is neutral and slightly polar, at codon 403 of the DNM1L protein (p.Arg403Cys). This variant is not present in population databases (gnomAD no frequency). This missense change has been observed in individual(s) with DNM1L-related conditions (PMID: 27145208, 29877124). In at least one individual the variant was observed to be de novo. ClinVar contains an entry for this variant (Variation ID: 214313). An algorithm developed to predict the effect of missense changes on protein structure and function (PolyPhen-2) suggests that this variant is likely to be disruptive. Experimental studies have shown that this missense change affects DNM1L function (PMID: 27145208, 29877124). For these reasons, this variant has been classified as Pathogenic.

Baylor Genetics
Classification: Pathogenic for Encephalopathy, lethal, due to defective mitochondrial peroxisomal fission 1. Last evaluated: 2023-08-30. Review status: criteria provided, single submitter. Criteria: ACMG Guidelines, 2015. Collection method: clinical testing. Allele origin: unknown.

Institute of Human Genetics Munich, TUM University Hospital
Classification: Pathogenic for Encephalopathy, lethal, due to defective mitochondrial peroxisomal fission 1. Last evaluated: 2022-09-26. Review status: criteria provided, single submitter. Criteria: Classification criteria August 2017. Collection method: clinical testing. Allele origin: de novo. Inheritance: Autosomal dominant inheritance. Affected: yes. Observed: 1 variant allele.

Blueprint Genetics
Classification: Pathogenic for DNM1L-related disorders. Last evaluated: 2022-04-19. Review status: criteria provided, single submitter. Criteria: ACMG Guidelines, 2015. Collection method: clinical testing. Allele origin: germline. Affected: yes. Observed: 1 variant allele.

Victorian Clinical Genetics Services, Murdoch Childrens Research Institute
Classification: Pathogenic for Encephalopathy, lethal, due to defective mitochondrial peroxisomal fission 1. Last evaluated: 2022-03-31. Review status: criteria provided, single submitter. Criteria: ACMG Guidelines, 2015. Collection method: clinical testing. Allele origin: germline. Affected: yes.
Comment: Based on the classification scheme VCGS_Germline_v1.3.4, this variant is classified as Pathogenic. Following criteria are met: 0103 - Dominant negative and loss of function are known mechanisms of disease in this gene and are associated with encephalopathy due to defective mitochondrial peroxisomal fission 1 (EMPF1; MIM#614388) and optic atrophy 5 (MIM#610708). Missense variants with a dominant negative mechanism has been mostly reported in individuals with dominant EMPF1, with optic atrophy less common. Loss of functional null and missense variants have been reported in individuals with recessive EMPF1 (OMIM, PMID: 29529134). (I) 0108 - This gene is associated with both recessive and dominant disease (OMIM, PMID: 29529134). (I) 0200 - Variant is predicted to result in a missense amino acid change from arginine to cysteine. (I) 0251 - This variant is heterozygous. (I) 0301 - Variant is absent from gnomAD (both v2 and v3). (SP) 0501 - Missense variant consistently predicted to be damaging by multiple in silico tools or highly conserved with a major amino acid change. (SP) 0603 - Missense variant in a region that is highly intolerant to missense variation (high constraint region in DECIPHER). (SP) 0801 - This variant has strong previous evidence of pathogenicity in unrelated individuals. This variant has been reported many times as pathogenic, and observed in multiple de novo individuals with initially normal development, followed by mitochondrial encephalopathy, refractory status epilepticus and/or global developmental delay (ClinVar, PMID: 30939602). (SP) 1207 - Parental origin of the variant is unresolved. (I) Legend: (SP) - Supporting pathogenic, (I) - Information, (SB) - Supporting benign

GeneDx
Classification: Pathogenic. Last evaluated: 2020-02-07. Review status: criteria provided, single submitter. Criteria: GeneDx Variant Classification Process June 2021. Collection method: clinical testing. Allele origin: germline. Affected: yes.
Comment: In silico analysis supports that this missense variant has a deleterious effect on protein structure/function; Not observed in large population cohorts (Lek et al., 2016); This variant is associated with the following publications: (PMID: 27145208, 30711678, 30939602, 29877124, 28969390, 30801875, 30109270, 30767894, 30085106, 31216405)

Mendelics
Classification: Pathogenic for Encephalopathy, lethal, due to defective mitochondrial peroxisomal fission 1. Last evaluated: 2019-05-28. Review status: criteria provided, single submitter. Criteria: Mendelics Assertion Criteria 2017. Collection method: clinical testing. Allele origin: unknown.

Baylor Genetics
Classification: Pathogenic for Encephalopathy, lethal, due to defective mitochondrial peroxisomal fission 1; Optic atrophy 5. Last evaluated: 2018-10-12. Review status: criteria provided, single submitter. Criteria: ACMG Guidelines, 2015. Collection method: clinical testing. Allele origin: germline. Affected: yes.

Cavalleri Lab, Royal College of Surgeons in Ireland
Classification: Pathogenic for Encephalopathy, lethal, due to defective mitochondrial peroxisomal fission 1. Last evaluated: 2017-03-16. Review status: criteria provided, single submitter. Criteria: ACMG Guidelines, 2015. Collection method: research. Allele origin: de novo. Inheritance: Autosomal dominant inheritance. Affected: yes. Observed: 1 heterozygote.

Ambry Genetics
Classification: Pathogenic for Inborn genetic diseases. Last evaluated: 2017-01-23. Review status: criteria provided, single submitter. Criteria: Ambry exome assertion method (8-5-2015). Collection method: clinical testing. Allele origin: germline. Affected: yes. Observed: 1 variant allele.

Neuberg Centre For Genomic Medicine, NCGM
Classification: Pathogenic for Encephalopathy, lethal, due to defective mitochondrial peroxisomal fission 1. Review status: criteria provided, single submitter. Criteria: ACMG Guidelines, 2015. Collection method: clinical testing. Allele origin: germline. Inheritance: Autosomal dominant inheritance. Affected: yes.
Comment: The DNM1L c.1207C>T variant has been previously reported as disease-causing heterozygous de novo variant in multiple patients affected with Encephalopathy, lethal, due to defective mitochondrial peroxisomal fission 1 (Fahrner et al., 2016; Schmid et. al., 2019; McCormack et. al., 2020). The p.Arg403Cys variant is novel (not in any individuals) in gnomAD Exomes and 1000 Genomes. This variant has been reported to the ClinVar database as Pathogenic. The amino acid change p.Arg403Cys in DNM1L is predicted as conserved by GERP++ and PhyloP across 100 vertebrates. In silico analysis supports that this missense variant has a deleterious effect on protein structure/function. The amino acid Arg at position 403 is changed to a Cys changing protein sequence and it might alter its composition and physico-chemical properties. For these reasons, this variant has been classified as Pathogenic

Pediatric Department, Xiangya Hospital, Central South University
Classification: Pathogenic for Encephalopathy, lethal, due to defective mitochondrial peroxisomal fission 1. Review status: criteria provided, single submitter. Criteria: ACMG Guidelines, 2015. Collection method: clinical testing. Allele origin: de novo. Inheritance: Autosomal dominant inheritance. Affected: yes.

OMIM
Classification: Pathogenic for ENCEPHALOPATHY DUE TO DEFECTIVE MITOCHONDRIAL AND PEROXISOMAL FISSION 1. Last evaluated: 2016-08-25. Review status: no assertion criteria provided. Collection method: literature only. Allele origin: germline. Not counted in ClinVar's aggregate classification.

Genome Diagnostics Laboratory, Amsterdam University Medical Center
Classification: Likely pathogenic. Review status: no assertion criteria provided. Collection method: clinical testing. Allele origin: germline. Affected: yes. Study: VKGL Data-share Consensus. Not counted in ClinVar's aggregate classification.

Joint Genome Diagnostic Labs from Nijmegen and Maastricht, Radboudumc and MUMC+
Classification: Pathogenic. Review status: no assertion criteria provided. Collection method: clinical testing. Allele origin: germline. Affected: yes. Study: VKGL Data-share Consensus. Not counted in ClinVar's aggregate classification.

Literature cited by the submitters: PubMed 27145208 (cited by 4 submitters); PubMed 29877124 (cited by Labcorp Genetics (formerly Invitae), Labcorp); PubMed 29529134 (cited by Victorian Clinical Genetics Services, Murdoch Childrens Research Institute); PubMed 30939602 (cited by Victorian Clinical Genetics Services, Murdoch Childrens Research Institute); PubMed 26604000 (cited by Cavalleri Lab, Royal College of Surgeons in Ireland); PubMed 20696759 (cited by Ambry Genetics).

NM_012062.5(DNM1L):c.1207C>T (p.Arg403Cys)

Gene: DNM1L (dynamin 1L; plus strand). Cytogenetic location: 12p11.21.
Variant type: single nucleotide variant.
Coding change: c.1207C>T on transcript NM_012062.5 (MANE Select); coding-DNA position 1207, C replaced by T.
Protein change: p.Arg403Cys; replaces arginine 403 with cysteine.
Molecular consequence: missense variant.
Genome position (GRCh38, 1-based): chr12:32,731,362, C>T. VCF-style: chr12-32731362-C-T. GRCh37 (hg19) VCF-style: chr12-32884296-C-T.
Other names: p.R403C:CGT>TGT; c.1207C>T, p.Arg403Cys (NM_001278463.2, NM_005690.5, NM_012063.4); c.1246C>T, p.Arg416Cys (NM_001278464.2, NM_001278465.2, NM_001330380.2); c.598C>T, p.Arg200Cys (NM_001278466.2); c.1207C>T (NM_005690.4); short protein forms R403C, R416C, R200C.
Identifiers: ClinVar variation 214313 (VCV000214313.53), dbSNP rs863223953, ClinGen allele CA324758.